The following is an entry in ClinVar:

ClinVar aggregate classification (germline): Uncertain significance. Review status: criteria provided, multiple submitters, no conflicts (2 of 4 stars). 2 submissions from 2 submitters: Uncertain significance (2). Last evaluated 2024-06-25.

Allele frequency attached by ClinVar (database versions not stated): gnomAD 0.00003; TOPMed 0.00004.
gnomAD v4.1: 5 of 1,613,988 alleles (0.00031%); highest among the groups gnomAD compares: African/African-American, 0.0067%; no homozygotes.

Submissions (2):

GeneDx
Classification: Uncertain significance. Last evaluated: 2024-06-25. Review status: criteria provided, single submitter. Criteria: GeneDx Variant Classification Process June 2021. Collection method: clinical testing. Allele origin: germline. Affected: yes.
Comment: In silico analysis indicates that this missense variant does not alter protein structure/function; Has not been previously published as pathogenic or benign to our knowledge

Labcorp Genetics (formerly Invitae), Labcorp
Classification: Uncertain significance. Last evaluated: 2024-02-16. Review status: criteria provided, single submitter. Criteria: Invitae Variant Classification Sherloc (09022015). Collection method: clinical testing. Allele origin: germline.
Comment: This sequence change replaces glutamine, which is neutral and polar, with leucine, which is neutral and non-polar, at codon 131 of the CAD protein (p.Gln131Leu). This variant is present in population databases (no rsID available, gnomAD 0.01%). This variant has not been reported in the literature in individuals affected with CAD-related conditions. ClinVar contains an entry for this variant (Variation ID: 1948998). An algorithm developed to predict the effect of missense changes on protein structure and function (PolyPhen-2) suggests that this variant is likely to be tolerated. In summary, the available evidence is currently insufficient to determine the role of this variant in disease. Therefore, it has been classified as a Variant of Uncertain Significance.

NM_004341.5(CAD):c.392A>T (p.Gln131Leu)

Gene: CAD (carbamoyl-phosphate synthetase 2, aspartate transcarbamylase, and dihydroorotase; plus strand). Cytogenetic location: 2p23.3.
Variant type: single nucleotide variant.
Coding change: c.392A>T on transcript NM_004341.5 (MANE Select); coding-DNA position 392, A replaced by T.
Protein change: p.Gln131Leu; replaces glutamine 131 with leucine.
Molecular consequence: missense variant.
Genome position (GRCh38, 1-based): chr2:27,222,233, A>T. VCF-style: chr2-27222233-A-T. GRCh37 (hg19) VCF-style: chr2-27445101-A-T.
Other names: c.392A>T, p.Gln131Leu (NM_001306079.2); c.392A>T (NM_004341.3); short protein forms Q131L.
Identifiers: ClinVar variation 1948998 (VCV001948998.5), dbSNP rs1048689342, ClinGen allele CA44491885.